The following is an entry in ClinVar:

ClinVar aggregate classification (germline): Benign (1 of 4 stars; one submission).

Conditions:
Danon disease. Also called: ANTOPOL DISEASE; PSEUDOGLYCOGENOSIS II; GSD IIb; LYSOSOMAL GLYCOGEN STORAGE DISEASE WITHOUT ACID MALTASE DEFICIENCY; Glycogen Storage Disease Type IIb. Identifiers: Orphanet 34587, MedGen C0878677, MONDO:0010281, OMIM 300257.

Allele frequency attached by ClinVar (database versions not stated): gnomAD exomes 0.00003; TOPMed 0.00006; gnomAD 0.00007 and 0.00016; 1000 Genomes Project 0.00079.
gnomAD v4.1: 33 of 708,255 alleles (0.0047%); highest among the groups gnomAD compares: East Asian, 0.51%; 1 homozygote.

Submission:

Illumina Laboratory Services, Illumina
Classification: Benign for Danon disease. Last evaluated: 2018-01-12. Review status: criteria provided, single submitter. Criteria: ICSL Variant Classification Criteria 13 December 2019. Collection method: clinical testing. Allele origin: germline.
Comment: This variant was observed in the ICSL laboratory as part of a predisposition screen in an ostensibly healthy population. It had not been previously curated by ICSL or reported in the Human Gene Mutation Database (HGMD: prior to June 1st, 2018), and was therefore a candidate for classification through an automated scoring system. Utilizing variant allele frequency, disease prevalence and penetrance estimates, and inheritance mode, an automated score was calculated to assess if this variant is too frequent to cause the disease. Based on the score and internal cut-off values, a variant classified as benign is not then subjected to further curation. The score for this variant resulted in a classification of benign for this disease.

NM_002294.3(LAMP2):c.*2005C>G

Gene: LAMP2 (lysosome associated membrane protein 2; minus strand). Cytogenetic location: Xq24.
Variant type: single nucleotide variant.
Coding change: c.*2005C>G on transcript NM_002294.3 (MANE Select); 2005 bases downstream of the stop codon, C replaced by G.
Molecular consequence: 3 prime UTR variant. On other transcripts: intron variant (1).
Genome position (GRCh38, 1-based): chrX:120,429,318, G>C on the plus strand (C>G on the coding strand, the complement: LAMP2 is on the minus strand). VCF-style: chrX-120429318-G-C. GRCh37 (hg19) VCF-style: chrX-119563173-G-C.
Other names: c.1094-692C>G (NM_001122606.1).
Identifiers: ClinVar variation 367765 (VCV000367765.6), dbSNP rs200014321, ClinGen allele CA10654237.
Genomic context (GRCh38, chrX:120,429,318, plus strand): 5'-GAACCACCAGGAAAGCAACATGTGCAATGTAGATTTTGAGTTCTGGATTCAGACAGAACT[G>C]TGTTTAAATCTTGACTCCTTCCAGTACTAGCCAAAGGACCTTGGGCAAGTTATTTAAACT-3'